The following is an entry in ClinVar:

NM_000245.4(MET):c.1164T>A (p.His388Gln)

Gene: MET (MET proto-oncogene, receptor tyrosine kinase; plus strand). Cytogenetic location: 7q31.2.
Variant type: single nucleotide variant.
Coding change: c.1164T>A on transcript NM_000245.4 (MANE Select); coding-DNA position 1164, T replaced by A.
Protein change: p.His388Gln; replaces histidine 388 with glutamine.
Molecular consequence: missense variant. On other transcripts: intron variant (1).
Genome position (GRCh38, 1-based): chr7:116,700,248, T>A. VCF-style: chr7-116700248-T-A. GRCh37 (hg19) VCF-style: chr7-116340302-T-A.
Other names: c.1164T>A, p.His388Gln (NM_001127500.3, NM_001324401.3); c.-91+27671T>A (NM_001324402.2); short protein forms H388Q.
Identifiers: ClinVar variation 849813 (VCV000849813.10), dbSNP rs1791523904, ClinGen allele CA368970684.

ClinVar aggregate classification (germline): Uncertain significance (1 of 4 stars; one submission).

Conditions:
Renal cell carcinoma. Identifiers: Orphanet 217071, MedGen C0007134, MeSH D002292, MONDO:0005086, HP:0005584.

Submission:

Labcorp Genetics (formerly Invitae), Labcorp
Classification: Uncertain significance for Renal cell carcinoma. Last evaluated: 2019-12-16. Review status: criteria provided, single submitter. Criteria: Invitae Variant Classification Sherloc (09022015). Collection method: clinical testing. Allele origin: germline.
Comment: This variant is not present in population databases (ExAC no frequency). In summary, the available evidence is currently insufficient to determine the role of this variant in disease. Therefore, it has been classified as a Variant of Uncertain Significance. Algorithms developed to predict the effect of missense changes on protein structure and function are either unavailable or do not agree on the potential impact of this missense change (SIFT: "Deleterious"; PolyPhen-2: "Possibly Damaging"; Align-GVGD: "Class C0"). This variant has not been reported in the literature in individuals with MET-related conditions. This sequence change replaces histidine with glutamine at codon 388 of the MET protein (p.His388Gln). The histidine residue is highly conserved and there is a small physicochemical difference between histidine and glutamine.